The following is an entry in ClinVar:

ClinVar aggregate classification (germline): Benign. Review status: criteria provided, single submitter (1 of 4 stars). 2 submissions from 2 submitters: Benign (1). 1 of the submissions does not count toward it. Last evaluated 2025-12-15.

Conditions:
RBM10-related disorder. Also called: RBM10-related condition.

Allele frequency attached by ClinVar (database versions not stated): gnomAD 0.00032 and 0.00046; gnomAD exomes 0.00041 and 0.00133; TOPMed 0.00058; ExAC 0.00162; 1000 Genomes Project 30x 0.00208; 1000 Genomes Project 0.00238.
gnomAD v4.1: 512 of 1,208,546 alleles (0.042%); highest among the groups gnomAD compares: East Asian, 1.4%; 3 homozygotes.

Submissions (2):

Labcorp Genetics (formerly Invitae), Labcorp
Classification: Benign. Last evaluated: 2025-12-15. Review status: criteria provided, single submitter. Criteria: Invitae Variant Classification Sherloc (09022015). Collection method: clinical testing. Allele origin: germline.

PreventionGenetics, part of Exact Sciences
Classification: Benign for RBM10-related condition. Last evaluated: 2019-04-16. Review status: no assertion criteria provided. Collection method: clinical testing. Allele origin: germline. Not counted in ClinVar's aggregate classification.
Comment: This variant is classified as benign based on ACMG/AMP sequence variant interpretation guidelines (Richards et al. 2015 PMID: 25741868, with internal and published modifications).

NM_005676.5(RBM10):c.1230C>G (p.Ala410=)

Gene: RBM10 (RNA binding motif protein 10; plus strand). Cytogenetic location: Xp11.3.
Variant type: single nucleotide variant.
Coding change: c.1230C>G on transcript NM_005676.5 (MANE Select); coding-DNA position 1230, C replaced by G.
Protein change: p.Ala410=; no amino-acid change (alanine 410 retained).
Molecular consequence: synonymous variant.
Genome position (GRCh38, 1-based): chrX:47,180,488, C>G. VCF-style: chrX-47180488-C-G. GRCh37 (hg19) VCF-style: chrX-47039887-C-G.
Other names: c.999C>G, p.Ala333= (NM_001204466.2); c.1227C>G, p.Ala409= (NM_001204467.2); c.1425C>G, p.Ala475= (NM_001204468.2); c.996C>G, p.Ala332= (NM_152856.3).
Identifiers: ClinVar variation 738001 (VCV000738001.11), dbSNP rs201959656, ClinGen allele CA10395242.